The following is an entry in ClinVar:

ClinVar aggregate classification (germline): Uncertain significance (1 of 4 stars; one submission).

Conditions:
Combined immunodeficiency with skin granulomas. Identifiers: Orphanet 157949, MedGen C2673536, MONDO:0009306, OMIM 233650.
Severe combined immunodeficiency, autosomal recessive, T cell-negative, B cell-negative, NK cell-positive. Also called: SCID, T CELL-NEGATIVE, B CELL-NEGATIVE, NK CELL-POSITIVE; SCID, AR, T-cell negative, B-cell negative, NK cell-positive; Severe combined immunodeficiency due to complete RAG1/2 deficiency. Identifiers: Orphanet 331206, MedGen C1832322, MONDO:0011086, OMIM 601457.

Allele frequency attached by ClinVar (database versions not stated): gnomAD exomes below 0.00001; TOPMed 0.00001.

Submission:

Labcorp Genetics (formerly Invitae), Labcorp
Classification: Uncertain significance for Combined immunodeficiency with skin granulomas; Severe combined immunodeficiency, autosomal recessive, T cell-negative, B cell-negative, NK cell-positive. Last evaluated: 2021-09-17. Review status: criteria provided, single submitter. Criteria: Invitae Variant Classification Sherloc (09022015). Collection method: clinical testing. Allele origin: germline.
Comment: This sequence change replaces glycine with glutamic acid at codon 149 of the RAG2 protein (p.Gly149Glu). The glycine residue is highly conserved and there is a moderate physicochemical difference between glycine and glutamic acid. This variant is not present in population databases (ExAC no frequency). This variant has not been reported in the literature in individuals with RAG2-related conditions. Advanced modeling of protein sequence and biophysical properties (such as structural, functional, and spatial information, amino acid conservation, physicochemical variation, residue mobility, and thermodynamic stability) performed at Invitae indicates that this missense variant is expected to disrupt RAG2 protein function. In summary, the available evidence is currently insufficient to determine the role of this variant in disease. Therefore, it has been classified as a Variant of Uncertain Significance.

NM_000536.4(RAG2):c.446G>A (p.Gly149Glu)

Gene: RAG2 (recombination activating 2; minus strand). Cytogenetic location: 11p12.
Variant type: single nucleotide variant.
Coding change: c.446G>A on transcript NM_000536.4 (MANE Select); coding-DNA position 446, G replaced by A.
Protein change: p.Gly149Glu; replaces glycine 149 with glutamic acid.
Molecular consequence: missense variant.
Genome position (GRCh38, 1-based): chr11:36,593,723, C>T on the plus strand (G>A on the coding strand, the complement: RAG2 is on the minus strand). VCF-style: chr11-36593723-C-T. GRCh37 (hg19) VCF-style: chr11-36615273-C-T.
Other names: c.446G>A, p.Gly149Glu (NM_001243785.2, NM_001243786.2); short protein forms G149E.
Identifiers: ClinVar variation 1500505 (VCV001500505.5), dbSNP rs1487032318, ClinGen allele CA380143037.